The following is an entry in ClinVar:

NM_000260.4(MYO7A):c.2283-2_2293del

Gene: MYO7A (myosin VIIA; plus strand). Cytogenetic location: 11q13.5.
Variant type: Deletion.
Coding change: c.2283-2_2293del on transcript NM_000260.4 (MANE Select); the canonical splice acceptor site of the intron before coding-DNA position 2283 through coding-DNA position 2293, 13 bases deleted (AGGTCTAACTTTC).
Molecular consequence: splice acceptor variant.
Genome position (GRCh38, 1-based): chr11:77,179,043-77,179,055, AGGTCTAACTTTC deleted; deleting any 13 consecutive bases within chr11:77,179,039-77,179,055 gives the same sequence; the c. name uses the placement nearest the transcript's 3' end. VCF-style (leftmost placement, unchanged base first): chr11-77179038-GTTTCAGGTCTAAC-G. GRCh37 (hg19) VCF-style: chr11-76890084-GTTTCAGGTCTAAC-G.
Other names: c.2283-2_2293del13 (NM_000260.3); c.2250-2_2260del (NM_001369365.1); c.2283-2_2293del (NM_001127180.2); c.2283-2_2293delAGGTCTAACTTTC (NM_000260.3).
Identifiers: ClinVar variation 551608 (VCV000551608.6), dbSNP rs1555082041, ClinGen allele CA658822152.
Genomic context (GRCh38, chr11:77,179,038, plus strand): 5'-TCCCAAACCCACCTGTACCCTGGCTGCCTCTGGACACTGCTCACCCGCGCCACTACTGCT[GTTTCAGGTCTAAC>G]TTTCTGAAGCTGAAGAACGCTGCCACACTGATCCAGAGGCACTGGCGGGGTCACAACTGT-3'

ClinVar aggregate classification (germline): Pathogenic/Likely pathogenic. Review status: criteria provided, multiple submitters, no conflicts (2 of 4 stars). 3 submissions from 3 submitters: Pathogenic (1); Likely pathogenic (1). 1 of the submissions does not count toward it. Last evaluated 2024-12-08.

Conditions:
Autosomal recessive nonsyndromic hearing loss 2. Also called: DEAFNESS, AUTOSOMAL RECESSIVE 2; NEUROSENSORY NONSYNDROMIC RECESSIVE DEAFNESS 2. Identifiers: Orphanet 90636, MedGen C1838701, MONDO:0010807, OMIM 600060.
Usher syndrome type 1 (USH1). Also called: RETINITIS PIGMENTOSA AND CONGENITAL DEAFNESS. Identifiers: Orphanet 231169, Orphanet 886, MedGen C1568247, MONDO:0010168, OMIM 276900.
Usher syndrome type 1B (USH1B). Also called: Usher syndrome type IB. Identifiers: MedGen C1848638, MONDO:0700087.

Submissions (3):

Natera, Inc.
Classification: Pathogenic for Usher syndrome type 1B. Last evaluated: 2024-12-08. Review status: criteria provided, single submitter. Criteria: Natera Variant Classification Schema (03/2026). Collection method: clinical testing. Allele origin: germline.
Comment: The c.2283-2_2293delAGGTCTAACTTTC variant in MYO7A is a canonical splice acceptor site variant predicted to affect pre-mRNA splicing, which may result in an abnormal transcript and altered protein product. This variant is expected to result in nonsense mediated decay, truncation, or a dysfunctional protein product. This variant is rare in the general population with a frequency below the threshold expected for the associated phenotype(s). Another variant at this same site results in an alteration predicted to cause a similar molecular effect has been observed in individual(s) with the associated phenotype. Given the available evidence, this variant is classified as Pathogenic.

Labcorp Genetics (formerly Invitae), Labcorp
Classification: Likely pathogenic. Last evaluated: 2023-10-16. Review status: criteria provided, single submitter. Criteria: Invitae Variant Classification Sherloc (09022015). Collection method: clinical testing. Allele origin: germline.
Comment: This variant results in the deletion of part of exon 20 (c.2283-2_2293del) of the MYO7A gene. It is expected to disrupt RNA splicing. Variants that disrupt the donor or acceptor splice site typically lead to a loss of protein function (PMID: 16199547), and loss-of-function variants in MYO7A are known to be pathogenic (PMID: 8900236, 25404053). This variant is not present in population databases (gnomAD no frequency). This variant has not been reported in the literature in individuals affected with MYO7A-related conditions. ClinVar contains an entry for this variant (Variation ID: 551608). In summary, the currently available evidence indicates that the variant is pathogenic, but additional data are needed to prove that conclusively. Therefore, this variant has been classified as Likely Pathogenic.

Counsyl
Classification: Likely pathogenic for Usher syndrome type 1; Autosomal recessive nonsyndromic hearing loss 2. Last evaluated: 2017-04-24. Review status: no assertion criteria provided. Collection method: clinical testing. Allele origin: unknown. Not counted in ClinVar's aggregate classification.

Literature cited by the submitters: PubMed 16199547 (cited by Labcorp Genetics (formerly Invitae), Labcorp); PubMed 8900236 (cited by Labcorp Genetics (formerly Invitae), Labcorp); PubMed 25404053 (cited by Labcorp Genetics (formerly Invitae), Labcorp).